The following is an entry in ClinVar:

NM_004304.5(ALK):c.3785C>G (p.Pro1262Arg)

Gene: ALK (ALK receptor tyrosine kinase; minus strand). Cytogenetic location: 2p23.2.
Variant type: single nucleotide variant.
Coding change: c.3785C>G on transcript NM_004304.5 (MANE Select); coding-DNA position 3785, C replaced by G.
Protein change: p.Pro1262Arg; replaces proline 1262 with arginine.
Molecular consequence: missense variant.
Genome position (GRCh38, 1-based): chr2:29,209,837, G>C on the plus strand (C>G on the coding strand, the complement: ALK is on the minus strand). VCF-style: chr2-29209837-G-C. GRCh37 (hg19) VCF-style: chr2-29432703-G-C.
Other names: c.3785C>G (NM_004304.4); c.581C>G, p.Pro194Arg (NM_001353765.2); short protein forms P1262R, P194R.
Identifiers: ClinVar variation 2712974 (VCV002712974.4), dbSNP rs2148155233, ClinGen allele CA346469711.

ClinVar aggregate classification (germline): Uncertain significance. Review status: criteria provided, multiple submitters, no conflicts (2 of 4 stars). 2 submissions from 2 submitters: Uncertain significance (2). Last evaluated 2025-11-09.

Conditions:
Hereditary cancer-predisposing syndrome. Also called: Neoplastic Syndromes, Hereditary; Hereditary neoplastic syndrome; Tumor predisposition; Hereditary Cancer Syndrome. Identifiers: Orphanet 140162, MedGen C0027672, MeSH D009386, MONDO:0015356.
Neuroblastoma, susceptibility to, 3. Also called: ALK-Related Neuroblastic Tumor Susceptibility. Identifiers: Orphanet 635, MedGen C2751681, MONDO:0013083, OMIM 613014.

Allele frequency attached by ClinVar (database versions not stated): gnomAD exomes 0.00001.
gnomAD v4.1: 5 of 1,614,182 alleles (0.00031%); highest among the groups gnomAD compares: Non-Finnish European, 0.00042%; no homozygotes.

Submissions (2):

Ambry Genetics
Classification: Uncertain significance for Hereditary cancer-predisposing syndrome. Last evaluated: 2025-11-09. Review status: criteria provided, single submitter. Criteria: Ambry Variant Classification Scheme 2023. Collection method: clinical testing. Allele origin: germline.
Comment: The p.P1262R variant (also known as c.3785C>G), located in coding exon 25 of the ALK gene, results from a C to G substitution at nucleotide position 3785. The proline at codon 1262 is replaced by arginine, an amino acid with dissimilar properties. This amino acid position is conserved. In addition, this alteration is predicted to be tolerated by in silico analysis. Based on the available evidence, the clinical significance of this variant remains unclear.

Labcorp Genetics (formerly Invitae), Labcorp
Classification: Uncertain significance for Neuroblastoma, susceptibility to, 3. Last evaluated: 2023-02-15. Review status: criteria provided, single submitter. Criteria: Invitae Variant Classification Sherloc (09022015). Collection method: clinical testing. Allele origin: germline.
Comment: In summary, the available evidence is currently insufficient to determine the role of this variant in disease. Therefore, it has been classified as a Variant of Uncertain Significance. An algorithm developed to predict the effect of missense changes on protein structure and function (PolyPhen-2) suggests that this variant is likely to be disruptive. This variant has not been reported in the literature in individuals affected with ALK-related conditions. This variant is not present in population databases (gnomAD no frequency). This sequence change replaces proline, which is neutral and non-polar, with arginine, which is basic and polar, at codon 1262 of the ALK protein (p.Pro1262Arg).